The following is an entry in ClinVar:

NM_015158.5(KANK1):c.676G>A (p.Ala226Thr)

Gene: KANK1 (KN motif and ankyrin repeat domains 1; plus strand). Cytogenetic location: 9p24.3.
Variant type: single nucleotide variant.
Coding change: c.676G>A on transcript NM_015158.5 (MANE Select); coding-DNA position 676, G replaced by A.
Protein change: p.Ala226Thr; replaces alanine 226 with threonine.
Molecular consequence: missense variant. On other transcripts: non-coding transcript variant (1).
Genome position (GRCh38, 1-based): chr9:711,442, G>A. VCF-style: chr9-711442-G-A. GRCh37 (hg19) VCF-style: chr9-711442-G-A.
Other names: c.676G>A, p.Ala226Thr (NM_001256876.3, NM_001256877.3, NM_001354331.2 and 2 more transcripts); c.202G>A, p.Ala68Thr (NM_001354333.2, NM_001354335.2, NM_001354336.2 and 9 more transcripts); short protein forms A226T, A68T.
Identifiers: ClinVar variation 3610283 (VCV003610283.2).

ClinVar aggregate classification (germline): Uncertain significance (1 of 4 stars; one submission).

gnomAD v4.1: 4 of 1,614,014 alleles (0.00025%); highest among the groups gnomAD compares: Non-Finnish European, 0.00034%; no homozygotes.

Submission:

Labcorp Genetics (formerly Invitae), Labcorp
Classification: Uncertain significance. Last evaluated: 2024-02-15. Review status: criteria provided, single submitter. Criteria: Invitae Variant Classification Sherloc (09022015). Collection method: clinical testing. Allele origin: germline.
Comment: This sequence change replaces alanine, which is neutral and non-polar, with threonine, which is neutral and polar, at codon 226 of the KANK1 protein (p.Ala226Thr). This variant is present in population databases (rs745928435, gnomAD 0.0009%). This variant has not been reported in the literature in individuals affected with KANK1-related conditions. Advanced modeling of protein sequence and biophysical properties (such as structural, functional, and spatial information, amino acid conservation, physicochemical variation, residue mobility, and thermodynamic stability) performed at Invitae indicates that this missense variant is not expected to disrupt KANK1 protein function with a negative predictive value of 80%. In summary, the available evidence is currently insufficient to determine the role of this variant in disease. Therefore, it has been classified as a Variant of Uncertain Significance.